The following is an entry in ClinVar:

NM_002386.4(MC1R):c.864C>G (p.Ile288Met)

Gene: MC1R (melanocortin 1 receptor; plus strand). Cytogenetic location: 16q24.3.
Variant type: single nucleotide variant.
Coding change: c.864C>G on transcript NM_002386.4 (MANE Select); coding-DNA position 864, C replaced by G.
Protein change: p.Ile288Met; replaces isoleucine 288 with methionine.
Molecular consequence: missense variant.
Genome position (GRCh38, 1-based): chr16:89,920,122, C>G. VCF-style: chr16-89920122-C-G. GRCh37 (hg19) VCF-style: chr16-89986530-C-G.
Other names: short protein forms I288M.
Identifiers: ClinVar variation 2082108 (VCV002082108.6), dbSNP rs756738524, ClinGen allele CA397463581.

ClinVar aggregate classification (germline): Uncertain significance. Review status: criteria provided, multiple submitters, no conflicts (2 of 4 stars). 2 submissions from 2 submitters: Uncertain significance (2). Last evaluated 2026-06-29.

Conditions:
Melanoma, cutaneous malignant, susceptibility to, 5. Also called: Cutaneous malignant melanoma 5. Identifiers: Orphanet 618, MedGen C2751295, MONDO:0013133, OMIM 613099.

Allele frequency attached by ClinVar (database versions not stated): gnomAD exomes below 0.00001.
gnomAD v4.1: 6 of 1,613,942 alleles (0.00037%); highest among the groups gnomAD compares: Admixed American, 0.0017%; no homozygotes.

Submissions (2):

Ambry Genetics
Classification: Uncertain significance. Last evaluated: 2026-06-29. Review status: criteria provided, single submitter. Criteria: Ambry Variant Classification Scheme 2023. Collection method: clinical testing. Allele origin: germline.
Comment: The p.I288M variant (also known as c.864C>G), located in coding exon 1 of the MC1R gene, results from a C to G substitution at nucleotide position 864. The isoleucine at codon 288 is replaced by methionine, an amino acid with highly similar properties. This amino acid position is conserved. In addition, this alteration is predicted to be tolerated by in silico analysis. Based on the available evidence, the clinical significance of this variant remains unclear.

Labcorp Genetics (formerly Invitae), Labcorp
Classification: Uncertain significance for Melanoma, cutaneous malignant, susceptibility to, 5. Last evaluated: 2022-07-14. Review status: criteria provided, single submitter. Criteria: Invitae Variant Classification Sherloc (09022015). Collection method: clinical testing. Allele origin: germline.
Comment: This sequence change replaces isoleucine, which is neutral and non-polar, with methionine, which is neutral and non-polar, at codon 288 of the MC1R protein (p.Ile288Met). This variant is present in population databases (no rsID available, gnomAD 0.003%). This variant has not been reported in the literature in individuals affected with MC1R-related conditions. Algorithms developed to predict the effect of missense changes on protein structure and function are either unavailable or do not agree on the potential impact of this missense change (SIFT: "Deleterious"; PolyPhen-2: "Benign"; Align-GVGD: "Class C0"). In summary, the available evidence is currently insufficient to determine the role of this variant in disease. Therefore, it has been classified as a Variant of Uncertain Significance.